The following is an entry in ClinVar:

ClinVar aggregate classification (germline): Uncertain significance (1 of 4 stars; one submission).

Conditions:
Hereditary cancer-predisposing syndrome. Also called: Neoplastic Syndromes, Hereditary; Tumor predisposition; Hereditary Cancer Syndrome; Hereditary neoplastic syndrome. Identifiers: Orphanet 140162, MedGen C0027672, MeSH D009386, MONDO:0015356.

Submission:

Ambry Genetics
Classification: Uncertain significance for Hereditary cancer-predisposing syndrome. Last evaluated: 2024-10-11. Review status: criteria provided, single submitter. Criteria: Ambry Variant Classification Scheme 2023. Collection method: clinical testing. Allele origin: germline.
Comment: The p.A385S variant (also known as c.1153G>T), located in coding exon 12 of the NF2 gene, results from a G to T substitution at nucleotide position 1153. The alanine at codon 385 is replaced by serine, an amino acid with similar properties. This amino acid position is conserved. In addition, the in silico prediction for this alteration is inconclusive. Based on the available evidence, the clinical significance of this variant remains unclear.

NM_000268.4(NF2):c.1153G>T (p.Ala385Ser)

Gene: NF2 (NF2, moesin-ezrin-radixin like (MERLIN) tumor suppressor; plus strand). Cytogenetic location: 22q12.2.
Variant type: single nucleotide variant.
Coding change: c.1153G>T on transcript NM_000268.4 (MANE Select); coding-DNA position 1153, G replaced by T.
Protein change: p.Ala385Ser; replaces alanine 385 with serine.
Molecular consequence: missense variant. On other transcripts: intron variant (1).
Genome position (GRCh38, 1-based): chr22:29,673,299, G>T. VCF-style: chr22-29673299-G-T. GRCh37 (hg19) VCF-style: chr22-30069288-G-T.
Other names: c.1039G>T, p.Ala347Ser (NM_001407053.1, NM_001407056.1); c.1030G>T, p.Ala344Ser (NM_001407054.1, NM_001407058.1, NM_181829.3); c.1027G>T, p.Ala343Ser (NM_001407055.1, NM_181828.3); c.1018G>T, p.Ala340Ser (NM_001407057.1, NM_001407059.1); c.1153G>T, p.Ala385Ser (NM_001407060.1, NM_001407066.1, NM_016418.5 and 2 more transcripts); c.895G>T, p.Ala299Ser (NM_001407062.1); c.904G>T, p.Ala302Ser (NM_001407063.1, NM_001407064.1, NM_181830.3 and 1 more transcripts); c.619G>T, p.Ala207Ser (NM_001407065.1); and 2 more; short protein forms A385S, A299S, A302S, A308S, A343S, A344S, A347S, A340S.
Identifiers: ClinVar variation 3405004 (VCV003405004.1).